The following is an entry in ClinVar:

NM_000283.4(PDE6B):c.570C>G (p.Ile190Met)

Gene: PDE6B (phosphodiesterase 6B; plus strand). Cytogenetic location: 4p16.3.
Variant type: single nucleotide variant.
Coding change: c.570C>G on transcript NM_000283.4 (MANE Select); coding-DNA position 570, C replaced by G.
Protein change: p.Ile190Met; replaces isoleucine 190 with methionine.
Molecular consequence: missense variant.
Genome position (GRCh38, 1-based): chr4:634,778, C>G. VCF-style: chr4-634778-C-G. GRCh37 (hg19) VCF-style: chr4-628567-C-G.
Other names: c.570C>G, p.Ile190Met (NM_001145291.2); short protein forms I190M.
Identifiers: ClinVar variation 2104829 (VCV002104829.4), dbSNP rs2474104583, ClinGen allele CA355908308.
Genomic context (GRCh38, chr4:634,778, plus strand): 5'-CAAGACAAAGAATATGCTGGCCACACCCATCATGAATGGCAAAGACGTCGTGGCGGTGAT[C>G]ATGGCAGTGAACAAGCTCAACGGCCCATTCTTCACCAGCGAAGACGAAGATGTGAGTGTG-3'
Protein context (NP_000274.3, residues 180-200): IMNGKDVVAV[Ile190Met]MAVNKLNGPF

ClinVar aggregate classification (germline): Uncertain significance (1 of 4 stars; one submission).

Allele frequency attached by ClinVar (database versions not stated): gnomAD exomes below 0.00001.
gnomAD v4.1: 1 of 1,613,876 alleles (0.000062%); highest among the groups gnomAD compares: Non-Finnish European, 0.000085%; no homozygotes.

Submission:

Labcorp Genetics (formerly Invitae), Labcorp
Classification: Uncertain significance. Last evaluated: 2022-03-14. Review status: criteria provided, single submitter. Criteria: Invitae Variant Classification Sherloc (09022015). Collection method: clinical testing. Allele origin: germline.
Comment: Algorithms developed to predict the effect of missense changes on protein structure and function are either unavailable or do not agree on the potential impact of this missense change (SIFT: "Deleterious"; PolyPhen-2: "Probably Damaging"; Align-GVGD: "Class C0"). In summary, the available evidence is currently insufficient to determine the role of this variant in disease. Therefore, it has been classified as a Variant of Uncertain Significance. This variant has not been reported in the literature in individuals affected with PDE6B-related conditions. This variant is not present in population databases (gnomAD no frequency). This sequence change replaces isoleucine, which is neutral and non-polar, with methionine, which is neutral and non-polar, at codon 190 of the PDE6B protein (p.Ile190Met).